The following is an entry in ClinVar:

NM_015295.3(SMCHD1):c.3610T>C (p.Ser1204Pro)

Gene: SMCHD1 (structural maintenance of chromosomes flexible hinge domain containing 1; plus strand). Cytogenetic location: 18p11.32.
Variant type: single nucleotide variant.
Coding change: c.3610T>C on transcript NM_015295.3 (MANE Select); coding-DNA position 3610, T replaced by C.
Protein change: p.Ser1204Pro; replaces serine 1204 with proline.
Molecular consequence: missense variant.
Genome position (GRCh38, 1-based): chr18:2,740,798, T>C. VCF-style: chr18-2740798-T-C. GRCh37 (hg19) VCF-style: chr18-2740796-T-C.
Other names: short protein forms S1204P.
Identifiers: ClinVar variation 3012055 (VCV003012055.3), dbSNP rs1232746002, ClinGen allele CA401688872.

ClinVar aggregate classification (germline): Uncertain significance (1 of 4 stars; one submission).

Conditions:
Facioscapulohumeral muscular dystrophy 2 (FSHD2). Also called: MUSCULAR DYSTROPHY, FACIOSCAPULOHUMERAL, TYPE 1B; FACIOSCAPULOHUMERAL MUSCULAR DYSTROPHY 2, DIGENIC; FSHD2, DIGENIC. Identifiers: Orphanet 269, MedGen C1834671, MONDO:0008031, OMIM 158901.

Allele frequency attached by ClinVar (database versions not stated): gnomAD exomes below 0.00001; TOPMed below 0.00001; gnomAD 0.00001.
gnomAD v4.1: 5 of 1,606,930 alleles (0.00031%); highest among the groups gnomAD compares: Non-Finnish European, 0.00043%; no homozygotes.

Submission:

Labcorp Genetics (formerly Invitae), Labcorp
Classification: Uncertain significance for Facioscapulohumeral muscular dystrophy 2. Last evaluated: 2023-08-30. Review status: criteria provided, single submitter. Criteria: Invitae Variant Classification Sherloc (09022015). Collection method: clinical testing. Allele origin: germline.
Comment: In summary, the available evidence is currently insufficient to determine the role of this variant in disease. Therefore, it has been classified as a Variant of Uncertain Significance. Advanced modeling of protein sequence and biophysical properties (such as structural, functional, and spatial information, amino acid conservation, physicochemical variation, residue mobility, and thermodynamic stability) has been performed at Invitae for this missense variant, however the output from this modeling did not meet the statistical confidence thresholds required to predict the impact of this variant on SMCHD1 protein function. This variant has not been reported in the literature in individuals affected with SMCHD1-related conditions. This variant is present in population databases (no rsID available, gnomAD 0.0009%). This sequence change replaces serine, which is neutral and polar, with proline, which is neutral and non-polar, at codon 1204 of the SMCHD1 protein (p.Ser1204Pro).